The following is an entry in ClinVar:

NC_000002.12:g.121530986T>A

Genes: CLASP1 (cytoplasmic linker associated protein 1; minus strand), CLASP1-AS1 (CLASP1 antisense RNA 1; plus strand), RNU4ATAC (RNA, U4atac small nuclear; plus strand). Cytogenetic location: 2q14.2.
Variant type: single nucleotide variant.
Molecular consequence: intron variant (on NM_001395891.1).
Genome position: GRCh38 VCF-style: chr2-121530986-T-A. GRCh37 (hg19) VCF-style: chr2-122288562-T-A.
Other names: c.196-661A>T (NM_001142274.2, NM_015282.3, NM_001378003.1 and 5 more transcripts).
Identifiers: ClinVar variation 1353681 (VCV001353681.6), dbSNP rs572870823, ClinGen allele CA1854743.

ClinVar aggregate classification (germline): Uncertain significance (1 of 4 stars; one submission).

gnomAD v4.1: 27 of 699,940 alleles (0.0039%); highest among the groups gnomAD compares: South Asian, 0.037%; no homozygotes.

Submission:

Labcorp Genetics (formerly Invitae), Labcorp
Classification: Uncertain significance. Last evaluated: 2025-05-19. Review status: criteria provided, single submitter. Criteria: Invitae Variant Classification Sherloc (09022015). Collection method: clinical testing. Allele origin: germline.
Comment: This variant occurs in the RNU4ATAC gene, which encodes an RNA molecule that does not result in a protein product. This variant is present in population databases (rs572870823, gnomAD 0.04%). This variant has not been reported in the literature in individuals affected with RNU4ATAC-related conditions. ClinVar contains an entry for this variant (Variation ID: 1353681). Experimental studies and prediction algorithms are not available or were not evaluated, and the functional significance of this variant is currently unknown. In summary, the available evidence is currently insufficient to determine the role of this variant in disease. Therefore, it has been classified as a Variant of Uncertain Significance.